The following is an entry in ClinVar:

NM_080473.5(GATA5):c.477C>G (p.Phe159Leu)

Gene: GATA5 (GATA binding protein 5; minus strand). Cytogenetic location: 20q13.33.
Variant type: single nucleotide variant.
Coding change: c.477C>G on transcript NM_080473.5 (MANE Select); coding-DNA position 477, C replaced by G.
Protein change: p.Phe159Leu; replaces phenylalanine 159 with leucine.
Molecular consequence: missense variant.
Genome position (GRCh38, 1-based): chr20:62,475,045, G>C on the plus strand (C>G on the coding strand, the complement: GATA5 is on the minus strand). VCF-style: chr20-62475045-G-C. GRCh37 (hg19) VCF-style: chr20-61050101-G-C.
Other names: short protein forms F159L.
Identifiers: ClinVar variation 1031059 (VCV001031059.14), dbSNP rs112433432, ClinGen allele CA9946309.

ClinVar aggregate classification (germline): Conflicting classifications of pathogenicity. Review status: criteria provided, conflicting classifications (1 of 4 stars). 4 submissions from 4 submitters: Uncertain significance (3); Likely benign (1). Last evaluated 2026-08-21.

Conditions:
Congenital heart defects, multiple types, 5. Identifiers: MedGen C4693563, MONDO:0060663, OMIM 617912.

Allele frequency attached by ClinVar (database versions not stated): TOPMed 0.00084; 1000 Genomes Project 30x 0.00031; gnomAD exomes 0.00006; ESP Exome Variant Server 0.00017; ExAC 0.00035; 1000 Genomes Project 0.00040; gnomAD 0.00078 and 0.00088.

Submissions (4):

GeneDx
Classification: Uncertain significance. Last evaluated: 2026-08-21. Review status: criteria provided, single submitter. Criteria: GeneDx Variant Classification Process June 2021. Collection method: clinical testing. Allele origin: germline.
Comment: Reported in two individuals with Down syndrome who had atrioventricular septal defects (PMID: 23040494); In silico analysis supports that this missense variant has a deleterious effect on protein structure/function; This variant is associated with the following publications: (PMID: 23040494)

Labcorp Genetics (formerly Invitae), Labcorp
Classification: Likely benign. Last evaluated: 2026-01-16. Review status: criteria provided, single submitter. Criteria: Invitae Variant Classification Sherloc (09022015). Collection method: clinical testing. Allele origin: germline.

Revvity Omics, Revvity
Classification: Uncertain significance for Congenital heart defects, multiple types, 5. Last evaluated: 2023-12-11. Review status: criteria provided, single submitter. Criteria: ACMG Guidelines, 2015. Collection method: clinical testing. Allele origin: germline.

Baylor Genetics
Classification: Uncertain significance for Congenital heart defects, multiple types, 5. Last evaluated: 2020-10-26. Review status: criteria provided, single submitter. Criteria: ACMG Guidelines, 2015. Collection method: clinical testing. Allele origin: unknown. Affected: yes.
Comment: This variant was determined to be of uncertain significance according to ACMG Guidelines, 2015 [PMID:25741868].